The following is an entry in ClinVar:

NM_006118.4(HAX1):c.676C>A (p.Arg226Ser)

Gene: HAX1 (HCLS1 associated protein X-1; plus strand). Cytogenetic location: 1q21.3.
Variant type: single nucleotide variant.
Coding change: c.676C>A on transcript NM_006118.4 (MANE Select); coding-DNA position 676, C replaced by A.
Protein change: p.Arg226Ser; replaces arginine 226 with serine.
Molecular consequence: missense variant.
Genome position (GRCh38, 1-based): chr1:154,275,405, C>A. VCF-style: chr1-154275405-C-A. GRCh37 (hg19) VCF-style: chr1-154247881-C-A.
Other names: c.532C>A, p.Arg178Ser (NM_001018837.2); short protein forms R226S, R178S.
Identifiers: ClinVar variation 4621326 (VCV004621326.1).

ClinVar aggregate classification (germline): Uncertain significance (1 of 4 stars; one submission).

Conditions:
Inborn genetic diseases. Identifiers: MedGen C0950123, MeSH D030342.

Submission:

Ambry Genetics
Classification: Uncertain significance for Inborn genetic diseases. Last evaluated: 2025-09-26. Review status: criteria provided, single submitter. Criteria: Ambry Variant Classification Scheme 2023. Collection method: clinical testing. Allele origin: germline.
Comment: The p.R226S variant (also known as c.676C>A), located in coding exon 6 of the HAX1 gene, results from a C to A substitution at nucleotide position 676. The arginine at codon 226 is replaced by serine, an amino acid with dissimilar properties. This amino acid position is conserved. In addition, the in silico prediction for this alteration is inconclusive. Based on the available evidence, the clinical significance of this variant remains unclear.